The following is an entry in ClinVar:

ClinVar aggregate classification (germline): Pathogenic/Likely pathogenic. Review status: criteria provided, multiple submitters, no conflicts (2 of 4 stars). 2 submissions from 2 submitters: Pathogenic (1); Likely pathogenic (1). Last evaluated 2024-01-03.

Conditions:
ADGRV1-related disorder. Also called: ADGRV1-related condition; ADGRV1-related disorders.

Allele frequency attached by ClinVar (database versions not stated): gnomAD 0.00001.
gnomAD v4.1: 2 of 1,604,472 alleles (0.00012%); highest among the groups gnomAD compares: African/African-American, 0.0013%; no homozygotes.

Submissions (2):

Labcorp Genetics (formerly Invitae), Labcorp
Classification: Pathogenic. Last evaluated: 2024-01-03. Review status: criteria provided, single submitter. Criteria: Invitae Variant Classification Sherloc (09022015). Collection method: clinical testing. Allele origin: germline.
Comment: This sequence change creates a premature translational stop signal (p.Arg2733*) in the ADGRV1 gene. It is expected to result in an absent or disrupted protein product. Loss-of-function variants in ADGRV1 are known to be pathogenic (PMID: 19357117, 22135276, 22147658, 26226137, 30718709, 31047384, 32467589). This variant is not present in population databases (gnomAD no frequency). This variant has not been reported in the literature in individuals affected with ADGRV1-related conditions. Algorithms developed to predict the effect of sequence changes on RNA splicing suggest that this variant may disrupt the consensus splice site. For these reasons, this variant has been classified as Pathogenic.

Blueprint Genetics
Classification: Likely pathogenic for ADGRV1-related disorders. Last evaluated: 2021-07-12. Review status: criteria provided, single submitter. Criteria: ACMG Guidelines, 2015. Collection method: clinical testing. Allele origin: germline. Affected: yes. Observed: 2 variant alleles.

Literature cited by the submitters: PubMed 19357117 (cited by Labcorp Genetics (formerly Invitae), Labcorp); PubMed 22135276 (cited by Labcorp Genetics (formerly Invitae), Labcorp); PubMed 22147658 (cited by Labcorp Genetics (formerly Invitae), Labcorp); PubMed 26226137 (cited by Labcorp Genetics (formerly Invitae), Labcorp); PubMed 30718709 (cited by Labcorp Genetics (formerly Invitae), Labcorp); PubMed 31047384 (cited by Labcorp Genetics (formerly Invitae), Labcorp); PubMed 32467589 (cited by Labcorp Genetics (formerly Invitae), Labcorp).

NM_032119.4(ADGRV1):c.8197C>T (p.Arg2733Ter)

Gene: ADGRV1 (adhesion G protein-coupled receptor V1; plus strand). Cytogenetic location: 5q14.3.
Variant type: single nucleotide variant.
Coding change: c.8197C>T on transcript NM_032119.4 (MANE Select); coding-DNA position 8197, C replaced by T.
Protein change: p.Arg2733Ter; replaces arginine 2733 with a stop codon.
Molecular consequence: nonsense. On other transcripts: non-coding transcript variant (1).
Genome position (GRCh38, 1-based): chr5:90,703,706, C>T. VCF-style: chr5-90703706-C-T. GRCh37 (hg19) VCF-style: chr5-89999523-C-T.
Other names: short protein forms R2733*.
Identifiers: ClinVar variation 2707157 (VCV002707157.4), dbSNP rs1463244885, ClinGen allele CA360388823.